The following is an entry in ClinVar:

NM_001399.5(EDA):c.503-2del

Gene: EDA (ectodysplasin A; plus strand). Cytogenetic location: Xq13.1.
Variant type: Deletion.
Coding change: c.503-2del on transcript NM_001399.5 (MANE Select); the canonical splice acceptor site of the intron before coding-DNA position 503, one base deleted (A; older notation c.503-2delA).
Molecular consequence: splice acceptor variant.
Genome position (GRCh38, 1-based): chrX:70,023,216, A deleted. VCF-style (leftmost placement, unchanged base first): chrX-70023215-TA-T. GRCh37 (hg19) VCF-style: chrX-69243065-TA-T.
Other names: c.503-2del (NM_001005609.2, NM_001005612.3).
Identifiers: ClinVar variation 653478 (VCV000653478.9), dbSNP rs1602614385, ClinGen allele CA915951149.

ClinVar aggregate classification (germline): Pathogenic (1 of 4 stars; one submission).

Conditions:
Hypohidrotic X-linked ectodermal dysplasia (XHED). Also called: Anhidrotic ectodermal dysplasia X-linked; Christ Siemens Touraine syndrome; ECTODERMAL DYSPLASIA 1, HYPOHIDROTIC, X-LINKED; Christ-Siemans-Touraine syndrome; ECTODERMAL DYSPLASIA 1; ECTODERMAL DYSPLASIA 1, HYPOHIDROTIC/HAIR/TOOTH TYPE, X-LINKED. Identifiers: Orphanet 181, Orphanet 238468, MedGen C0162359, MONDO:0010585, OMIM 305100.

Submission:

Labcorp Genetics (formerly Invitae), Labcorp
Classification: Pathogenic for Hypohidrotic X-linked ectodermal dysplasia. Last evaluated: 2025-06-03. Review status: criteria provided, single submitter. Criteria: Invitae Variant Classification Sherloc (09022015). Collection method: clinical testing. Allele origin: germline.
Comment: This sequence change affects a splice site in intron 2 of the EDA gene. It is expected to disrupt RNA splicing. Variants that disrupt the donor or acceptor splice site typically lead to a loss of protein function (PMID: 16199547), and loss-of-function variants in EDA are known to be pathogenic (PMID: 9683615). This variant is not present in population databases (gnomAD no frequency). Disruption of this splice site has been observed in individuals with ectodermal dysplasia (internal data). ClinVar contains an entry for this variant (Variation ID: 653478). Algorithms developed to predict the effect of sequence changes on RNA splicing suggest that this variant may disrupt the consensus splice site. For these reasons, this variant has been classified as Pathogenic.

Literature cited by the submitters: PubMed 16199547; PubMed 9683615.